The following is an entry in ClinVar:

ClinVar aggregate classification (germline): Conflicting classifications of pathogenicity. Review status: criteria provided, conflicting classifications (1 of 4 stars). 5 submissions from 5 submitters: Uncertain significance (4); Likely benign (1). Last evaluated 2025-09-25.

Conditions:
Colorectal cancer, susceptibility to, 1. Also called: COLORECTAL ADENOMA AND CANCER, SUSCEPTIBILITY TO; COLORECTAL CANCER, SUSCEPTIBILITY TO, ON CHROMOSOME 9. Identifiers: MedGen C1837315, MONDO:0012132, OMIM 608812.

Allele frequency attached by ClinVar (database versions not stated): gnomAD exomes 0.00003; gnomAD 0.00002; TOPMed 0.00002; ExAC 0.00003.
gnomAD v4.1: 52 of 1,614,100 alleles (0.0032%); highest among the groups gnomAD compares: Non-Finnish European, 0.0039%; no homozygotes.

Submissions (7):

Ambry Genetics
Classification: Likely benign. Last evaluated: 2025-09-25. Review status: criteria provided, single submitter. Criteria: Ambry Variant Classification Scheme 2023. Collection method: clinical testing. Allele origin: germline.

Labcorp Genetics (formerly Invitae), Labcorp
Classification: Uncertain significance. Last evaluated: 2025-02-12. Review status: criteria provided, single submitter. Criteria: Invitae Variant Classification Sherloc (09022015). Collection method: clinical testing. Allele origin: germline.
Comment: This sequence change replaces lysine, which is basic and polar, with arginine, which is basic and polar, at codon 426 of the GALNT12 protein (p.Lys426Arg). This variant is present in population databases (rs753534837, gnomAD 0.01%). This variant has not been reported in the literature in individuals affected with GALNT12-related conditions. ClinVar contains an entry for this variant (Variation ID: 410579). Invitae Evidence Modeling of protein sequence and biophysical properties (such as structural, functional, and spatial information, amino acid conservation, physicochemical variation, residue mobility, and thermodynamic stability) indicates that this missense variant is not expected to disrupt GALNT12 protein function with a negative predictive value of 80%. In summary, the available evidence is currently insufficient to determine the role of this variant in disease. Therefore, it has been classified as a Variant of Uncertain Significance.

Fulgent Genetics
Classification: Uncertain significance for Colorectal cancer, susceptibility to, 1. Last evaluated: 2024-03-18. Review status: criteria provided, single submitter. Criteria: ACMG Guidelines, 2015. Collection method: clinical testing. Allele origin: germline.

Baylor Genetics
Classification: Uncertain significance for Colorectal cancer, susceptibility to, 1. Last evaluated: 2023-08-15. Review status: criteria provided, single submitter. Criteria: ACMG Guidelines, 2015. Collection method: clinical testing. Allele origin: unknown.

Quest Diagnostics Nichols Institute San Juan Capistrano
Classification: Uncertain significance. Last evaluated: 2023-02-14. Review status: criteria provided, single submitter. Criteria: Quest Diagnostics criteria. Collection method: clinical testing. Allele origin: unknown.
Comment: The variant has not been reported in the published literature. The frequency of this variant in the general population, 0.000044 (5/113762 chromosomes), is uninformative in assessment of its pathogenicity. Analysis of this variant using bioinformatics tools for the prediction of the effect of amino acid changes on protein structure and function yielded predictions that this variant is benign. Based on the available information, we are unable to determine the clinical significance of this variant.

Dr. Peter K. Rogan Lab, Western University
No classification provided (evidence only). Condition: Melanoma. Review status: no classification provided. Collection method: in vitro. Allele origin: not applicable. Functional consequence: retained intron. Not counted in ClinVar's aggregate classification.

Dr. Peter K. Rogan Lab, Western University
No classification provided (evidence only). Condition: Gastric cancer. Review status: no classification provided. Collection method: in vitro. Allele origin: not applicable. Functional consequence: retained intron. Not counted in ClinVar's aggregate classification.

NM_024642.5(GALNT12):c.1277A>G (p.Lys426Arg)

Gene: GALNT12 (polypeptide N-acetylgalactosaminyltransferase 12; plus strand). Cytogenetic location: 9q22.33.
Variant type: single nucleotide variant.
Coding change: c.1277A>G on transcript NM_024642.5 (MANE Select); coding-DNA position 1277, A replaced by G.
Protein change: p.Lys426Arg; replaces lysine 426 with arginine.
Molecular consequence: missense variant.
Genome position (GRCh38, 1-based): chr9:98,840,066, A>G. VCF-style: chr9-98840066-A-G. GRCh37 (hg19) VCF-style: chr9-101602348-A-G.
Other names: short protein forms K426R.
Identifiers: ClinVar variation 410579 (VCV000410579.17), dbSNP rs753534837, ClinGen allele CA5154220.